The following is an entry in ClinVar:

NM_000219.6(KCNE1):c.338T>A (p.Leu113Gln)

Gene: KCNE1 (potassium voltage-gated channel subfamily E regulatory subunit 1; minus strand). Cytogenetic location: 21q22.12.
Variant type: single nucleotide variant.
Coding change: c.338T>A on transcript NM_000219.6 (MANE Select); coding-DNA position 338, T replaced by A.
Protein change: p.Leu113Gln; replaces leucine 113 with glutamine.
Molecular consequence: missense variant.
Genome position (GRCh38, 1-based): chr21:34,449,297, A>T on the plus strand (T>A on the coding strand, the complement: KCNE1 is on the minus strand). VCF-style: chr21-34449297-A-T. GRCh37 (hg19) VCF-style: chr21-35821595-A-T.
Other names: c.338T>A, p.Leu113Gln (NM_001127668.4, NM_001127669.4, NM_001127670.4 and 4 more transcripts); short protein forms L113Q.
Identifiers: ClinVar variation 3374679 (VCV003374679.2).
Genomic context (GRCh38, chr21:34,449,297, plus strand): 5'-GGTGGGGTTCATGGGGAAGGCTTCGTCTCAGGAAGGTGTGTGTTGGGTTGTTCTATGGCC[A>T]GATGGTTTTCAACGACATAGCACGACCTGTAGCTCTCCAGGACCCGGGCCTGGACATAGG-3'
Protein context (NP_000210.2, residues 103-123): YRSCYVVENH[Leu113Gln]AIEQPNTHLP

Conditions:
Long QT syndrome 5 (LQT5). Identifiers: Orphanet 101016, Orphanet 768, MedGen C1867904, MONDO:0013372, OMIM 613695.

Submission:

Roden Lab, Vanderbilt University Medical Center
No classification provided (evidence only). Condition: Long QT syndrome 5. Review status: no classification provided. Collection method: in vitro. Allele origin: not applicable. Functional consequence: Effect on ion channel function.
ClinVar note: "not provided" was previously submitted as the classification for the variant. However, the classification appeared to be based only on an observation of functional data so it was converted to no classification on 2025-07-30.